The following is an entry in ClinVar:

NM_015896.4(ZMYND10):c.674A>G (p.His225Arg)

Gene: ZMYND10 (zinc finger MYND-type containing 10; minus strand). Cytogenetic location: 3p21.31.
Variant type: single nucleotide variant.
Coding change: c.674A>G on transcript NM_015896.4 (MANE Select); coding-DNA position 674, A replaced by G.
Protein change: p.His225Arg; replaces histidine 225 with arginine.
Molecular consequence: missense variant. On other transcripts: intron variant (1).
Genome position (GRCh38, 1-based): chr3:50,342,944, T>C on the plus strand (A>G on the coding strand, the complement: ZMYND10 is on the minus strand). VCF-style: chr3-50342944-T-C. GRCh37 (hg19) VCF-style: chr3-50380375-T-C.
Other names: c.599+174A>G (NM_001308379.2); short protein forms H225R.
Identifiers: ClinVar variation 664999 (VCV000664999.9), dbSNP rs1207885001, ClinGen allele CA352941682.
Genomic context (GRCh38, chr3:50,342,944, plus strand): 5'-GCCTGGGGCTTAGGCTGGTGGGGGAGGACCCTACCTCCTTCCCGCCGGCTCCAGGGACTA[T>C]GCTCCAGCAGTTCCACCAGGAGGCAGGGCAGGTTGTGTGTGCTAAGCATACGGCTCAAGG-3'
Protein context (NP_056980.2, residues 215-235): LPCLLVELLE[His225Arg]SPWSRREGGK

ClinVar aggregate classification (germline): Uncertain significance. Review status: criteria provided, multiple submitters, no conflicts (2 of 4 stars). 2 submissions from 2 submitters: Uncertain significance (2). Last evaluated 2023-12-13.

Conditions:
Inborn genetic diseases. Identifiers: MedGen C0950123, MeSH D030342.
Primary ciliary dyskinesia. Also called: Ciliary dyskinesia. Identifiers: Orphanet 244, MedGen C0008780, MONDO:0016575, HP:0012265.

Allele frequency attached by ClinVar (database versions not stated): gnomAD 0.00001; TOPMed 0.00001.

Submissions (2):

Ambry Genetics
Classification: Uncertain significance for Inborn genetic diseases. Last evaluated: 2023-12-13. Review status: criteria provided, single submitter. Criteria: Ambry Variant Classification Scheme 2023. Collection method: clinical testing. Allele origin: germline.

Labcorp Genetics (formerly Invitae), Labcorp
Classification: Uncertain significance for Primary ciliary dyskinesia. Last evaluated: 2022-12-06. Review status: criteria provided, single submitter. Criteria: Invitae Variant Classification Sherloc (09022015). Collection method: clinical testing. Allele origin: germline.
Comment: This sequence change replaces histidine, which is basic and polar, with arginine, which is basic and polar, at codon 225 of the ZMYND10 protein (p.His225Arg). In summary, the available evidence is currently insufficient to determine the role of this variant in disease. Therefore, it has been classified as a Variant of Uncertain Significance. Advanced modeling of protein sequence and biophysical properties (such as structural, functional, and spatial information, amino acid conservation, physicochemical variation, residue mobility, and thermodynamic stability) performed at Invitae indicates that this missense variant is not expected to disrupt ZMYND10 protein function. ClinVar contains an entry for this variant (Variation ID: 664999). This variant has not been reported in the literature in individuals affected with ZMYND10-related conditions. This variant is present in population databases (no rsID available, gnomAD 0.06%).